The following is an entry in ClinVar:

NM_005751.5(AKAP9):c.3640T>C (p.Tyr1214His)

Gene: AKAP9 (A-kinase anchoring protein 9; plus strand). Cytogenetic location: 7q21.2.
Variant type: single nucleotide variant.
Coding change: c.3640T>C on transcript NM_005751.5 (MANE Select); coding-DNA position 3640, T replaced by C.
Protein change: p.Tyr1214His; replaces tyrosine 1214 with histidine.
Molecular consequence: missense variant.
Genome position (GRCh38, 1-based): chr7:92,016,156, T>C. VCF-style: chr7-92016156-T-C. GRCh37 (hg19) VCF-style: chr7-91645470-T-C.
Other names: c.3640T>C, p.Tyr1214His (NM_147185.3); short protein forms Y1214H.
Identifiers: ClinVar variation 951979 (VCV000951979.1), dbSNP rs769011685, ClinGen allele CA4336359.

ClinVar aggregate classification (germline): Uncertain significance (1 of 4 stars; one submission).

Conditions:
Long QT syndrome (LQTS). Identifiers: MedGen C0023976, MeSH D008133, MONDO:0002442. Disease mechanism: loss of function. Inheritance: Various modes of inheritance.

Allele frequency attached by ClinVar (database versions not stated): gnomAD exomes 0.00001 and 0.00002; ExAC 0.00003.
gnomAD v4.1: 10 of 1,604,584 alleles (0.00062%); highest among the groups gnomAD compares: South Asian, 0.0099%; no homozygotes.

Submission:

Labcorp Genetics (formerly Invitae), Labcorp
Classification: Uncertain significance for Long QT syndrome. Last evaluated: 2019-05-16. Review status: criteria provided, single submitter. Criteria: Invitae Variant Classification Sherloc (09022015). Collection method: clinical testing. Allele origin: germline.
Comment: This sequence change replaces tyrosine with histidine at codon 1214 of the AKAP9 protein (p.Tyr1214His). The tyrosine residue is moderately conserved and there is a moderate physicochemical difference between tyrosine and histidine. This variant is present in population databases (rs769011685, ExAC 0.02%). This variant has not been reported in the literature in individuals with AKAP9-related conditions. Algorithms developed to predict the effect of missense changes on protein structure and function (SIFT, PolyPhen-2, Align-GVGD) all suggest that this variant is likely to be tolerated, but these predictions have not been confirmed by published functional studies and their clinical significance is uncertain. In summary, the available evidence is currently insufficient to determine the role of this variant in disease. Therefore, it has been classified as a Variant of Uncertain Significance.